The following is an entry in ClinVar:

NM_153704.6(TMEM67):c.2314A>G (p.Met772Val)

Gene: TMEM67 (transmembrane protein 67; plus strand). Cytogenetic location: 8q22.1.
Variant type: single nucleotide variant.
Coding change: c.2314A>G on transcript NM_153704.6 (MANE Select); coding-DNA position 2314, A replaced by G.
Protein change: p.Met772Val; replaces methionine 772 with valine.
Molecular consequence: missense variant. On other transcripts: non-coding transcript variant (1).
Genome position (GRCh38, 1-based): chr8:93,803,676, A>G. VCF-style: chr8-93803676-A-G. GRCh37 (hg19) VCF-style: chr8-94815904-A-G.
Other names: c.2071A>G, p.Met691Val (NM_001142301.1); c.2314A>G (NM_153704.5); short protein forms M772V, M691V.
Identifiers: ClinVar variation 1519788 (VCV001519788.5), dbSNP rs777291564, ClinGen allele CA4808261.
Genomic context (GRCh38, chr8:93,803,676, plus strand): 5'-GCTGTCTTTTATGAGAGATTTATAGAAGATAAAATTCGACAGTTCGTTGATTTATGCTCT[A>G]TGAGTAATGTAAGTACTTTCTGACTTCATCTTGCAACTGTTACTTTCCCTTTTTAAAGGT-3'
Protein context (NP_714915.3, residues 762-782): KIRQFVDLCS[Met772Val]SNISVFLLSH

ClinVar aggregate classification (germline): Uncertain significance. Review status: criteria provided, multiple submitters, no conflicts (2 of 4 stars). 3 submissions from 3 submitters: Uncertain significance (3). Last evaluated 2026-05-21.

Conditions:
COACH syndrome 1. Identifiers: Orphanet 1454, MedGen C5435651, MONDO:0800103, OMIM 216360, MONDO:0008996.
Nephronophthisis 11 (NPHP11). Identifiers: Orphanet 84081, MedGen C3150796, MONDO:0013302, OMIM 613550.
Joubert syndrome 6 (JBTS6). Identifiers: Orphanet 475, MedGen C1853153, MONDO:0012539, OMIM 610688.
Meckel syndrome, type 3 (MKS3). Also called: MECKEL-GRUBER SYNDROME, TYPE 3. Identifiers: Orphanet 564, MedGen C1846357, MONDO:0011821, OMIM 607361.
RHYNS syndrome. Also called: RETINITIS PIGMENTOSA SYNDROME; RETINITIS PIGMENTOSA, HYPOPITUITARISM, NEPHRONOPHTHISIS, AND MILD SKELETAL DYSPLASIA. Identifiers: Orphanet 140976, MedGen C1865794, MONDO:0011202, OMIM 602152.
Bardet-Biedl syndrome 14 (BBS14). Identifiers: Orphanet 110, MedGen C2673874, MONDO:0014442, OMIM 615991.
TMEM67-related disorder. Also called: TMEM67-related condition; TMEM67-related disorders. Identifiers: MedGen CN239423.
Joubert syndrome. Also called: Familial aplasia of the vermis; JOUBERT-BOLTSHAUSER SYNDROME. Identifiers: Orphanet 475, MedGen C5979921, MONDO:0018772.
Meckel-Gruber syndrome. Also called: Dysencephalia splachnocystica; DYSENCEPHALIA SPLANCHNOCYSTICA; GRUBER SYNDROME. Identifiers: Orphanet 564, MedGen C0265215, MONDO:0018921.

Allele frequency attached by ClinVar (database versions not stated): ExAC 0.00002; gnomAD 0.00002 and 0.00003; gnomAD exomes 0.00002 and 0.00003; TOPMed 0.00002.
gnomAD v4.1: 35 of 1,557,606 alleles (0.0022%); highest among the groups gnomAD compares: Admixed American, 0.0067%; no homozygotes.

Submissions (3):

PreventionGenetics, part of Exact Sciences
Classification: Uncertain significance for TMEM67-related condition. Last evaluated: 2026-05-21. Review status: criteria provided, single submitter. Criteria: ACMG Guidelines, 2015. Collection method: clinical testing. Allele origin: germline.
Comment: The TMEM67 c.2314A>G variant is predicted to result in the amino acid substitution p.Met772Val. To our knowledge, this variant has not been reported in the literature. This variant is reported in 0.0085% of alleles in individuals of Latino descent in gnomAD. At this time, the clinical significance of this variant is uncertain due to the absence of conclusive functional and genetic evidence.

Fulgent Genetics
Classification: Uncertain significance for COACH syndrome 1; RHYNS syndrome; Meckel syndrome, type 3; Joubert syndrome 6; Nephronophthisis 11; Bardet-Biedl syndrome 14. Last evaluated: 2024-04-16. Review status: criteria provided, single submitter. Criteria: ACMG Guidelines, 2015. Collection method: clinical testing. Allele origin: germline.

Labcorp Genetics (formerly Invitae), Labcorp
Classification: Uncertain significance for Joubert syndrome; Meckel-Gruber syndrome. Last evaluated: 2022-05-03. Review status: criteria provided, single submitter. Criteria: Invitae Variant Classification Sherloc (09022015). Collection method: clinical testing. Allele origin: germline.
Comment: This sequence change replaces methionine, which is neutral and non-polar, with valine, which is neutral and non-polar, at codon 772 of the TMEM67 protein (p.Met772Val). This variant is present in population databases (rs777291564, gnomAD 0.009%). This variant has not been reported in the literature in individuals affected with TMEM67-related conditions. Advanced modeling of protein sequence and biophysical properties (such as structural, functional, and spatial information, amino acid conservation, physicochemical variation, residue mobility, and thermodynamic stability) performed at Invitae indicates that this missense variant is not expected to disrupt TMEM67 protein function. Algorithms developed to predict the effect of sequence changes on RNA splicing suggest that this variant may create or strengthen a splice site. In summary, the available evidence is currently insufficient to determine the role of this variant in disease. Therefore, it has been classified as a Variant of Uncertain Significance.